The following is an entry in ClinVar:

ClinVar aggregate classification (germline): Likely pathogenic (1 of 4 stars; one submission).

Conditions:
TMEM67-related disorder. Also called: TMEM67-related disorders; TMEM67-related condition. Identifiers: MedGen CN239423.

Submission:

PreventionGenetics, part of Exact Sciences
Classification: Likely pathogenic for TMEM67-related condition. Last evaluated: 2025-04-18. Review status: criteria provided, single submitter. Criteria: ACMG Guidelines, 2015. Collection method: clinical testing. Allele origin: germline.
Comment: The TMEM67 c.652-2A>G variant is predicted to disrupt the AG splice acceptor site and interfere with normal splicing. To our knowledge, this variant has not been reported in the literature or in a large population database (gnomAD), indicating this variant is rare. Of note, another splicing change (c.652-1G>A) at this junction has been reported in an individual with COACH syndrome (Zhu et al. 2022. PubMed ID: 36008300). Variants that disrupt the consensus splice acceptor site in TMEM67 are expected to be pathogenic. This variant is interpreted as likely pathogenic.

NM_153704.6(TMEM67):c.652-2A>G

Gene: TMEM67 (transmembrane protein 67; plus strand). Cytogenetic location: 8q22.1.
Variant type: single nucleotide variant.
Coding change: c.652-2A>G on transcript NM_153704.6 (MANE Select); the canonical splice acceptor site of the intron before coding-DNA position 652, A replaced by G.
Molecular consequence: splice acceptor variant.
Genome position (GRCh38, 1-based): chr8:93,772,587, A>G. VCF-style: chr8-93772587-A-G. GRCh37 (hg19) VCF-style: chr8-94784815-A-G.
Other names: c.409-2A>G (NM_001142301.1).
Identifiers: ClinVar variation 5001448 (VCV005001448.1).